The following is an entry in ClinVar:

NM_000350.3(ABCA4):c.2587+2T>C

Gene: ABCA4 (ATP binding cassette subfamily A member 4; minus strand). Cytogenetic location: 1p22.1.
Variant type: single nucleotide variant.
Coding change: c.2587+2T>C on transcript NM_000350.3 (MANE Select); the canonical splice donor site of the intron after coding-DNA position 2587, T replaced by C.
Molecular consequence: splice donor variant.
Genome position (GRCh38, 1-based): chr1:94,055,109, A>G on the plus strand (T>C on the coding strand, the complement: ABCA4 is on the minus strand). VCF-style: chr1-94055109-A-G. GRCh37 (hg19) VCF-style: chr1-94520665-A-G.
Identifiers: ClinVar variation 590903 (VCV000590903.12), dbSNP rs1557783989, ClinGen allele CA341276768.

ClinVar aggregate classification (germline): Pathogenic/Likely pathogenic. Review status: criteria provided, multiple submitters, no conflicts (2 of 4 stars). 4 submissions from 4 submitters: Pathogenic (3); Likely pathogenic (1). Last evaluated 2024-04-19.

Conditions:
Severe early-childhood-onset retinal dystrophy (STGD1). Also called: Stargardt macular dystrophy; Juvenile onset macular degeneration; Stargardt disease 1; STGD; MACULAR DYSTROPHY WITH FLECKS, TYPE 1. Identifiers: Orphanet 364055, Orphanet 827, MedGen C1855465, MeSH D000080362, MONDO:0009549, OMIM 248200.
Age related macular degeneration 2. Also called: MACULOPATHY, AGE-RELATED; MACULAR DEGENERATION, SENILE; MACULOPATHY, AGE-RELATED, 2. Identifiers: MedGen C3495438, MONDO:0007932, OMIM 153800.
Cone-rod dystrophy 3 (CORD3). Identifiers: Orphanet 1872, MedGen C1858806, MONDO:0011395, OMIM 604116.
Retinitis pigmentosa 19 (RP19). Also called: ABCA4-Related Retinitis Pigmentosa. Identifiers: Orphanet 791, MedGen C1866422, MONDO:0011137, OMIM 601718.

Allele frequency attached by ClinVar (database versions not stated): gnomAD exomes below 0.00001.
gnomAD v4.1: 1 of 1,614,030 alleles (0.000062%); highest among the groups gnomAD compares: Non-Finnish European, 0.000085%; no homozygotes.

Submissions (4):

Fulgent Genetics
Classification: Likely pathogenic for Age related macular degeneration 2; Severe early-childhood-onset retinal dystrophy; Retinitis pigmentosa 19; Cone-rod dystrophy 3. Last evaluated: 2024-04-19. Review status: criteria provided, single submitter. Criteria: ACMG Guidelines, 2015. Collection method: clinical testing. Allele origin: germline.

Labcorp Genetics (formerly Invitae), Labcorp
Classification: Pathogenic. Last evaluated: 2020-11-22. Review status: criteria provided, single submitter. Criteria: Invitae Variant Classification Sherloc (09022015). Collection method: clinical testing. Allele origin: germline.
Comment: For these reasons, this variant has been classified as Pathogenic. Algorithms developed to predict the effect of sequence changes on RNA splicing suggest that this variant may disrupt the consensus splice site, but this prediction has not been confirmed by published transcriptional studies. This variant has been observed in individual(s) with retinal disease (PMID: 25474345, 32307445, Invitae). ClinVar contains an entry for this variant (Variation ID: 590903). This variant is not present in population databases (ExAC no frequency). This sequence change affects a donor splice site in intron 16 of the ABCA4 gene. It is expected to disrupt RNA splicing. Variants that disrupt the donor or acceptor splice site typically lead to a loss of protein function (PMID: 16199547), and loss-of-function variants in ABCA4 are known to be pathogenic (PMID: 10958761, 24938718, 25312043, 26780318).

Mendelics
Classification: Pathogenic for Severe early-childhood-onset retinal dystrophy. Last evaluated: 2019-05-28. Review status: criteria provided, single submitter. Criteria: Mendelics Assertion Criteria 2017. Collection method: clinical testing. Allele origin: unknown.

Core Molecular Diagnostic Lab, McGill University Health Centre
Classification: Pathogenic for Severe early-childhood-onset retinal dystrophy. Last evaluated: 2018-11-13. Review status: criteria provided, single submitter. Criteria: ACMG Guidelines, 2015. Collection method: clinical testing. Allele origin: germline. Inheritance: Autosomal recessive inheritance. Affected: yes and no. Observed: 2 variant alleles, 1 heterozygote, 1 compound heterozygote.

Literature cited by the submitters: PubMed 25474345 (cited by Labcorp Genetics (formerly Invitae), Labcorp); PubMed 32307445 (cited by Labcorp Genetics (formerly Invitae), Labcorp); PubMed 16199547 (cited by Labcorp Genetics (formerly Invitae), Labcorp); PubMed 10958761 (cited by Labcorp Genetics (formerly Invitae), Labcorp); PubMed 24938718 (cited by Labcorp Genetics (formerly Invitae), Labcorp); PubMed 25312043 (cited by Labcorp Genetics (formerly Invitae), Labcorp); PubMed 26780318 (cited by Labcorp Genetics (formerly Invitae), Labcorp).